The following is an entry in ClinVar:

ClinVar aggregate classification (germline): Likely benign. Review status: criteria provided, single submitter (1 of 4 stars). 2 submissions from 2 submitters: Likely benign (1). 1 of the submissions does not count toward it. Last evaluated 2024-03-10.

Conditions:
Charcot-Marie-Tooth disease axonal type 2S. Also called: CHARCOT-MARIE-TOOTH NEUROPATHY, TYPE 2S; CHARCOT-MARIE-TOOTH DISEASE, AXONAL, AUTOSOMAL RECESSIVE, TYPE 2S. Identifiers: Orphanet 443073, MedGen C4015349, MONDO:0014511, OMIM 616155.
Autosomal recessive distal spinal muscular atrophy 1. Also called: NEURONOPATHY, SEVERE INFANTILE AXONAL, WITH RESPIRATORY FAILURE; SEVERE INFANTILE AXONAL NEUROPATHY WITH RESPIRATORY FAILURE; SPINAL MUSCULAR ATROPHY, DIAPHRAGMATIC; NEURONOPATHY, DISTAL HEREDITARY MOTOR, HARDING TYPE VI; NEUROPATHY, DISTAL HEREDITARY MOTOR, AUTOSOMAL RECESSIVE 1; HMN VI. Identifiers: Orphanet 98920, MedGen C1858517, MONDO:0011436, OMIM 604320.
IGHMBP2-related disorder. Also called: IGHMBP2-related disorders; IGHMBP2-related condition.

Allele frequency attached by ClinVar (database versions not stated): gnomAD exomes 0.00001; TOPMed 0.00001; ExAC 0.00002; gnomAD 0.00002 and 0.00003; 1000 Genomes Project 30x 0.00016; 1000 Genomes Project 0.00020.
gnomAD v4.1: 28 of 1,612,532 alleles (0.0017%); highest among the groups gnomAD compares: Admixed American, 0.012%; no homozygotes.

Submissions (2):

Labcorp Genetics (formerly Invitae), Labcorp
Classification: Likely benign for Autosomal recessive distal spinal muscular atrophy 1; Charcot-Marie-Tooth disease axonal type 2S. Last evaluated: 2024-03-10. Review status: criteria provided, single submitter. Criteria: Invitae Variant Classification Sherloc (09022015). Collection method: clinical testing. Allele origin: germline.

PreventionGenetics, part of Exact Sciences
Classification: Likely benign for IGHMBP2-related condition. Last evaluated: 2022-12-29. Review status: no assertion criteria provided. Collection method: clinical testing. Allele origin: germline. Not counted in ClinVar's aggregate classification.
Comment: This variant is classified as likely benign based on ACMG/AMP sequence variant interpretation guidelines (Richards et al. 2015 PMID: 25741868, with internal and published modifications).

NM_002180.3(IGHMBP2):c.1065G>A (p.Ala355=)

Gene: IGHMBP2 (immunoglobulin mu DNA binding protein 2; plus strand). Cytogenetic location: 11q13.3.
Variant type: single nucleotide variant.
Coding change: c.1065G>A on transcript NM_002180.3 (MANE Select); coding-DNA position 1065, G replaced by A.
Protein change: p.Ala355=; no amino-acid change (alanine 355 retained).
Molecular consequence: synonymous variant.
Genome position (GRCh38, 1-based): chr11:68,929,187, G>A. VCF-style: chr11-68929187-G-A. GRCh37 (hg19) VCF-style: chr11-68696655-G-A.
Other names: c.1065G>A (NM_002180.2).
Identifiers: ClinVar variation 1135991 (VCV001135991.11), dbSNP rs529978266, ClinGen allele CA6153514.